The following is an entry in ClinVar:

ClinVar aggregate classification (germline): Uncertain significance (1 of 4 stars; one submission).

Allele frequency attached by ClinVar (database versions not stated): gnomAD exomes below 0.00001.
gnomAD v4.1: 1 of 1,613,756 alleles (0.000062%); highest among the groups gnomAD compares: Admixed American, 0.0017%; no homozygotes.

Submission:

Labcorp Genetics (formerly Invitae), Labcorp
Classification: Uncertain significance. Last evaluated: 2023-08-10. Review status: criteria provided, single submitter. Criteria: Invitae Variant Classification Sherloc (09022015). Collection method: clinical testing. Allele origin: germline.
Comment: This variant is not present in population databases (gnomAD no frequency). This sequence change replaces serine, which is neutral and polar, with asparagine, which is neutral and polar, at codon 367 of the SPPL2A protein (p.Ser367Asn). This variant has not been reported in the literature in individuals affected with SPPL2A-related conditions. An algorithm developed to predict the effect of missense changes on protein structure and function (PolyPhen-2) suggests that this variant is likely to be disruptive. In summary, the available evidence is currently insufficient to determine the role of this variant in disease. Therefore, it has been classified as a Variant of Uncertain Significance.

NM_032802.4(SPPL2A):c.1100G>A (p.Ser367Asn)

Gene: SPPL2A (signal peptide peptidase like 2A; minus strand). Cytogenetic location: 15q21.2.
Variant type: single nucleotide variant.
Coding change: c.1100G>A on transcript NM_032802.4 (MANE Select); coding-DNA position 1100, G replaced by A.
Protein change: p.Ser367Asn; replaces serine 367 with asparagine.
Molecular consequence: missense variant.
Genome position (GRCh38, 1-based): chr15:50,726,367, C>T on the plus strand (G>A on the coding strand, the complement: SPPL2A is on the minus strand). VCF-style: chr15-50726367-C-T. GRCh37 (hg19) VCF-style: chr15-51018564-C-T.
Other names: short protein forms S367N.
Identifiers: ClinVar variation 2875028 (VCV002875028.3), dbSNP rs901805653, ClinGen allele CA270506188.
Genomic context (GRCh38, chr15:50,726,367, plus strand): 5'-ATTGCCATCCCTACCTTTTCATTATTTCCAAAAGGTCCAGCTGCGAGTTCAACCATGATA[C>T]TCTCACCATTCTAAAATTGAGAAGGAAAAGAAGTTGTCTAATCATTTAAAGAGAACAATC-3'
Protein context (NP_116191.2, residues 357-377): ITPFITKNGE[Ser367Asn]IMVELAAGPF